The following is an entry in ClinVar:

NM_002076.4(GNS):c.1280_1281del (p.Thr427fs)

Gene: GNS (glucosamine (N-acetyl)-6-sulfatase; minus strand). Cytogenetic location: 12q14.3.
Variant type: Deletion.
Coding change: c.1280_1281del on transcript NM_002076.4 (MANE Select); coding-DNA positions 1280 to 1281, 2 bases deleted (CA; older notation c.1280_1281delCA).
Protein change: p.Thr427fs; shifts the reading frame from threonine 427.
Molecular consequence: frameshift variant.
Genome position (GRCh38, 1-based): chr12:64,723,033-64,723,034, TG deleted on the plus strand (CA on the coding strand, the reverse complement: GNS is on the minus strand); deleting any 2 consecutive bases within chr12:64,723,033-64,723,035 gives the same sequence; the c. name uses the placement nearest the transcript's 3' end. VCF-style (leftmost placement, unchanged base first): chr12-64723032-ATG-A. GRCh37 (hg19) VCF-style: chr12-65116812-ATG-A.
Other names: short protein forms T427fs.
Identifiers: ClinVar variation 3644400 (VCV003644400.2).

ClinVar aggregate classification (germline): Pathogenic (1 of 4 stars; one submission).

Conditions:
Mucopolysaccharidosis, MPS-III-D (MPS3D). Also called: N-ACETYLGLUCOSAMINE-6-SULFATASE DEFICIENCY; SANFILIPPO SYNDROME D; MPS III D; Mucopoly-saccharidosis type 3D; N-acetylglucosamine-6-sulfate sulfatase deficiency; MPS 3D. Identifiers: Orphanet 581, Orphanet 79272, MedGen C0086650, MONDO:0009658, OMIM 252940.

Submission:

Labcorp Genetics (formerly Invitae), Labcorp
Classification: Pathogenic for Mucopolysaccharidosis, MPS-III-D. Last evaluated: 2024-03-12. Review status: criteria provided, single submitter. Criteria: Invitae Variant Classification Sherloc (09022015). Collection method: clinical testing. Allele origin: germline.
Comment: This sequence change creates a premature translational stop signal (p.Thr427Metfs*18) in the GNS gene. It is expected to result in an absent or disrupted protein product. Loss-of-function variants in GNS are known to be pathogenic (PMID: 20232353). This variant is not present in population databases (gnomAD no frequency). This variant has not been reported in the literature in individuals affected with GNS-related conditions. For these reasons, this variant has been classified as Pathogenic.

Literature cited by the submitters: PubMed 20232353.